The following is an entry in ClinVar:

ClinVar aggregate classification (germline): Uncertain significance (1 of 4 stars; one submission).

Conditions:
Familial cold autoinflammatory syndrome 3 (FCAS3). Also called: FAMILIAL ATYPICAL COLD URTICARIA; ANTIBODY DEFICIENCY AND IMMUNE DYSREGULATION, PLCG2-ASSOCIATED. Identifiers: Orphanet 300359, MedGen C3280914, MONDO:0013766, OMIM 614468.

Allele frequency attached by ClinVar (database versions not stated): gnomAD exomes below 0.00001; ExAC 0.00001.
gnomAD v4.1: 2 of 1,612,200 alleles (0.00012%); highest among the groups gnomAD compares: South Asian, 0.0011%; no homozygotes.

Submission:

Labcorp Genetics (formerly Invitae), Labcorp
Classification: Uncertain significance for Familial cold autoinflammatory syndrome 3. Last evaluated: 2023-07-01. Review status: criteria provided, single submitter. Criteria: Invitae Variant Classification Sherloc (09022015). Collection method: clinical testing. Allele origin: germline.
Comment: In summary, the available evidence is currently insufficient to determine the role of this variant in disease. Therefore, it has been classified as a Variant of Uncertain Significance. An algorithm developed to predict the effect of missense changes on protein structure and function (PolyPhen-2) suggests that this variant is likely to be disruptive. This variant has not been reported in the literature in individuals affected with PLCG2-related conditions. This variant is present in population databases (rs774111706, gnomAD 0.003%). This sequence change replaces arginine, which is basic and polar, with histidine, which is basic and polar, at codon 415 of the PLCG2 protein (p.Arg415His).

NM_002661.5(PLCG2):c.1244G>A (p.Arg415His)

Gene: PLCG2 (phospholipase C gamma 2; plus strand). Cytogenetic location: 16q23.3.
Variant type: single nucleotide variant.
Coding change: c.1244G>A on transcript NM_002661.5 (MANE Select); coding-DNA position 1244, G replaced by A.
Protein change: p.Arg415His; replaces arginine 415 with histidine.
Molecular consequence: missense variant.
Genome position (GRCh38, 1-based): chr16:81,900,662, G>A. VCF-style: chr16-81900662-G-A. GRCh37 (hg19) VCF-style: chr16-81934267-G-A.
Other names: c.1244G>A, p.Arg415His (NM_001425749.1, NM_001425750.1, NM_001425751.1); short protein forms R415H.
Identifiers: ClinVar variation 2766590 (VCV002766590.3), dbSNP rs774111706, ClinGen allele CA8193675.
Genomic context (GRCh38, chr16:81,900,662, plus strand): 5'-CTGCCTGCAGCTTCCCAGTGATCCTGTCCATCGAGGAGCACTGCAGCGTGGAGCAACAGC[G>A]TCACATGGCCAAGGCCTTCAAGGAAGTATTTGGCGACCTGCTGTTGACGAAGCCCACGGA-3'
Protein context (NP_002652.2, residues 405-425): IEEHCSVEQQ[Arg415His]HMAKAFKEVF